The following is an entry in ClinVar:

NM_138576.4(BCL11B):c.557G>T (p.Cys186Phe)

Gene: BCL11B (BCL11 transcription factor B; minus strand). Cytogenetic location: 14q32.2.
Variant type: single nucleotide variant.
Coding change: c.557G>T on transcript NM_138576.4 (MANE Select); coding-DNA position 557, G replaced by T.
Protein change: p.Cys186Phe; replaces cysteine 186 with phenylalanine.
Molecular consequence: missense variant. On other transcripts: intron variant (2).
Genome position (GRCh38, 1-based): chr14:99,231,428, C>A on the plus strand (G>T on the coding strand, the complement: BCL11B is on the minus strand). VCF-style: chr14-99231428-C-A. GRCh37 (hg19) VCF-style: chr14-99697765-C-A.
Other names: c.554G>T, p.Cys185Phe (NM_001282237.2); c.424+26043G>T (NM_001282238.2); c.427+26043G>T (NM_022898.3); short protein forms C185F, C186F.
Identifiers: ClinVar variation 4796953 (VCV004796953.1).
Genomic context (GRCh38, chr14:99,231,428, plus strand): 5'-AAGGGAGCCTCCGTCTGACCCTCACCCTGAGTCCCGTCACCCGAGACCGGGCGCGCGCTG[C>A]AGCACGGCAGGGGGAGGCAGGGCGGGAGAGCGCCCAGGGCACGCAGAGGTGAAGTGATCA-3'
Protein context (NP_612808.1, residues 176-196): ALPPCLPLPC[Cys186Phe]SARPVSGDGT

ClinVar aggregate classification (germline): Uncertain significance (1 of 4 stars; one submission).

Submission:

Labcorp Genetics (formerly Invitae), Labcorp
Classification: Uncertain significance. Last evaluated: 2025-06-15. Review status: criteria provided, single submitter. Criteria: Invitae Variant Classification Sherloc (09022015). Collection method: clinical testing. Allele origin: germline.
Comment: This sequence change replaces cysteine, which is neutral and slightly polar, with phenylalanine, which is neutral and non-polar, at codon 186 of the BCL11B protein (p.Cys186Phe). This variant is not present in population databases (gnomAD no frequency). This variant has not been reported in the literature in individuals affected with BCL11B-related conditions. Invitae Evidence Modeling of protein sequence and biophysical properties (such as structural, functional, and spatial information, amino acid conservation, physicochemical variation, residue mobility, and thermodynamic stability) indicates that this missense variant is not expected to disrupt BCL11B protein function with a negative predictive value of 95%. In summary, the available evidence is currently insufficient to determine the role of this variant in disease. Therefore, it has been classified as a Variant of Uncertain Significance.